The following is an entry in ClinVar:

ClinVar aggregate classification (germline): Uncertain significance (1 of 4 stars; one submission).

Conditions:
Early-infantile DEE. Also called: Early infantile epileptic encephalopathy; Ohtahara syndrome; Early infantile epileptic encephalopathy with suppression bursts. Identifiers: Orphanet 1934, MedGen C0393706, MONDO:0800491.

Submission:

Labcorp Genetics (formerly Invitae), Labcorp
Classification: Uncertain significance for Early-infantile DEE. Last evaluated: 2025-08-20. Review status: criteria provided, single submitter. Criteria: Invitae Variant Classification Sherloc (09022015). Collection method: clinical testing. Allele origin: germline.
Comment: This sequence change affects codon 245 of the KCNQ2 mRNA. It is a 'silent' change, meaning that it does not change the encoded amino acid sequence of the KCNQ2 protein. This variant is not present in population databases (gnomAD no frequency). This variant has not been reported in the literature in individuals affected with KCNQ2-related conditions. Algorithms developed to predict the effect of sequence changes on RNA splicing suggest that this variant may disrupt the consensus splice site. In summary, the available evidence is currently insufficient to determine the role of this variant in disease. Therefore, it has been classified as a Variant of Uncertain Significance.

NM_172107.4(KCNQ2):c.735G>A (p.Leu245=)

Gene: KCNQ2 (potassium voltage-gated channel subfamily Q member 2; minus strand). Cytogenetic location: 20q13.33.
Variant type: single nucleotide variant.
Coding change: c.735G>A on transcript NM_172107.4 (MANE Select); coding-DNA position 735, G replaced by A.
Protein change: p.Leu245=; no amino-acid change (leucine 245 retained).
Molecular consequence: synonymous variant.
Genome position (GRCh38, 1-based): chr20:63,442,487, C>T on the plus strand (G>A on the coding strand, the complement: KCNQ2 is on the minus strand). VCF-style: chr20-63442487-C-T. GRCh37 (hg19) VCF-style: chr20-62073840-C-T.
Other names: c.735G>A, p.Leu245= (NM_001382235.1, NM_001439003.1, NM_001439004.1 and 4 more transcripts).
Identifiers: ClinVar variation 4716868 (VCV004716868.1).